The following is an entry in ClinVar:

ClinVar aggregate classification (germline): Uncertain significance (1 of 4 stars; one submission).

Submission:

Labcorp Genetics (formerly Invitae), Labcorp
Classification: Uncertain significance. Last evaluated: 2022-12-23. Review status: criteria provided, single submitter. Criteria: Invitae Variant Classification Sherloc (09022015). Collection method: clinical testing. Allele origin: germline.
Comment: In summary, the available evidence is currently insufficient to determine the role of this variant in disease. Therefore, it has been classified as a Variant of Uncertain Significance. Advanced modeling of protein sequence and biophysical properties (such as structural, functional, and spatial information, amino acid conservation, physicochemical variation, residue mobility, and thermodynamic stability) performed at Invitae indicates that this missense variant is not expected to disrupt SLC39A14 protein function. This variant has not been reported in the literature in individuals affected with SLC39A14-related conditions. This variant is not present in population databases (gnomAD no frequency). This sequence change replaces leucine, which is neutral and non-polar, with phenylalanine, which is neutral and non-polar, at codon 166 of the SLC39A14 protein (p.Leu166Phe).

NM_001128431.4(SLC39A14):c.496C>T (p.Leu166Phe)

Gene: SLC39A14 (solute carrier family 39 member 14; plus strand). Cytogenetic location: 8p21.3.
Variant type: single nucleotide variant.
Coding change: c.496C>T on transcript NM_001128431.4 (MANE Select); coding-DNA position 496, C replaced by T.
Protein change: p.Leu166Phe; replaces leucine 166 with phenylalanine.
Molecular consequence: missense variant. On other transcripts: intron variant (1).
Genome position (GRCh38, 1-based): chr8:22,412,075, C>T. VCF-style: chr8-22412075-C-T. GRCh37 (hg19) VCF-style: chr8-22269588-C-T.
Other names: c.496C>T, p.Leu166Phe (NM_001135153.3, NM_001135154.3, NM_001351655.2 and 2 more transcripts); c.526C>T, p.Leu176Phe (NM_001351657.2, NM_001351658.2, NM_001351659.2); c.627+1960C>T (NM_015359.6); short protein forms L166F, L176F.
Identifiers: ClinVar variation 2008978 (VCV002008978.4), dbSNP rs2487114178, ClinGen allele CA370528445.